The following is an entry in ClinVar:

NM_001256869.2(USP17L7):c.809C>A (p.Pro270His)

Genes: FAM66D (family with sequence similarity 66 member D), USP17L7 (ubiquitin specific peptidase 17 like family member 7; minus strand). Cytogenetic location: 8p23.1.
Variant type: single nucleotide variant.
Coding change: c.809C>A on transcript NM_001256869.2 (MANE Select); coding-DNA position 809, C replaced by A.
Protein change: p.Pro270His; replaces proline 270 with histidine.
Molecular consequence: missense variant.
Genome position (GRCh38, 1-based): chr8:12,133,201, G>T on the plus strand (C>A on the coding strand, the complement: USP17L7 is on the minus strand). VCF-style: chr8-12133201-G-T. GRCh37 (hg19) VCF-style: chr8-11990710-G-T.
Other names: short protein forms P270H.
Identifiers: ClinVar variation 4681392 (VCV004681392.5).

ClinVar aggregate classification (germline): Likely benign (1 of 4 stars; one submission).

Submission:

CeGaT Center for Human Genetics Tuebingen
Classification: Likely benign. Last evaluated: 2025-12-01. Review status: criteria provided, single submitter. Criteria: CeGaT Center For Human Genetics Tuebingen Variant Classification Criteria Version 2. Collection method: clinical testing. Allele origin: germline. Affected: yes. Observed: 1 variant allele.
Comment: USP17L7: BS2